The following is an entry in ClinVar:

NM_015570.4(AUTS2):c.445A>G (p.Ser149Gly)

Gene: AUTS2 (activator of transcription and developmental regulator AUTS2; plus strand). Cytogenetic location: 7q11.22.
Variant type: single nucleotide variant.
Coding change: c.445A>G on transcript NM_015570.4 (MANE Select); coding-DNA position 445, A replaced by G.
Protein change: p.Ser149Gly; replaces serine 149 with glycine.
Molecular consequence: missense variant.
Genome position (GRCh38, 1-based): chr7:69,899,421, A>G. VCF-style: chr7-69899421-A-G. GRCh37 (hg19) VCF-style: chr7-69364407-A-G.
Other names: c.445A>G, p.Ser149Gly (NM_001127231.3, NM_001127232.3); short protein forms S149G.
Identifiers: ClinVar variation 3696743 (VCV003696743.2).
Genomic context (GRCh38, chr7:69,899,421, plus strand): 5'-CTTACCAATGGCTTGTCCTTTCATTCAAAGAAGAGCAGACTCAGCCACCCACACCACTAC[A>G]GCTCAGATCGAGAAAATGACCGCAATCTCTGCCAGCACCTTGGGAAGAGAAAGAAAATGC-3'
Protein context (NP_056385.1, residues 139-159): KSRLSHPHHY[Ser149Gly]SDRENDRNLC

ClinVar aggregate classification (germline): Uncertain significance (1 of 4 stars; one submission).

gnomAD v4.1: 3 of 1,613,894 alleles (0.00019%); highest among the groups gnomAD compares: African/African-American, 0.004%; no homozygotes.

Submission:

Labcorp Genetics (formerly Invitae), Labcorp
Classification: Uncertain significance. Last evaluated: 2024-02-01. Review status: criteria provided, single submitter. Criteria: Invitae Variant Classification Sherloc (09022015). Collection method: clinical testing. Allele origin: germline.
Comment: This sequence change replaces serine, which is neutral and polar, with glycine, which is neutral and non-polar, at codon 149 of the AUTS2 protein (p.Ser149Gly). This variant is present in population databases (no rsID available, gnomAD 0.01%). This variant has not been reported in the literature in individuals affected with AUTS2-related conditions. Algorithms developed to predict the effect of missense changes on protein structure and function output the following: SIFT: "Not Available"; PolyPhen-2: "Benign"; Align-GVGD: "Not Available". The glycine amino acid residue is found in multiple mammalian species, which suggests that this missense change does not adversely affect protein function. In summary, the available evidence is currently insufficient to determine the role of this variant in disease. Therefore, it has been classified as a Variant of Uncertain Significance.